The following is an entry in ClinVar:

ClinVar aggregate classification (germline): Uncertain significance (1 of 4 stars; one submission).

Allele frequency attached by ClinVar (database versions not stated): TOPMed 0.00003.
gnomAD v4.1: 36 of 1,614,174 alleles (0.0022%); highest among the groups gnomAD compares: Non-Finnish European, 0.0029%; no homozygotes.

Submission:

Labcorp Genetics (formerly Invitae), Labcorp
Classification: Uncertain significance. Last evaluated: 2021-06-29. Review status: criteria provided, single submitter. Criteria: Invitae Variant Classification Sherloc (09022015). Collection method: clinical testing. Allele origin: germline.
Comment: This sequence change replaces valine with isoleucine at codon 84 of the CFAP298 protein (p.Val84Ile). The valine residue is highly conserved and there is a small physicochemical difference between valine and isoleucine. In summary, the available evidence is currently insufficient to determine the role of this variant in disease. Therefore, it has been classified as a Variant of Uncertain Significance. Algorithms developed to predict the effect of missense changes on protein structure and function output the following: SIFT: "Tolerated"; PolyPhen-2: "Benign"; Align-GVGD: "Class C0". The isoleucine amino acid residue is found in multiple mammalian species, which suggests that this missense change does not adversely affect protein function. ClinVar contains an entry for this variant (Variation ID: 241376). This variant has not been reported in the literature in individuals affected with CFAP298-related conditions. This variant is not present in population databases (ExAC no frequency).

NM_021254.4(CFAP298):c.250G>A (p.Val84Ile)

Genes: CFAP298 (cilia and flagella associated protein 298; minus strand), CFAP298-TCP10L (CFAP298-TCP10L readthrough; minus strand). Cytogenetic location: 21q22.11.
Variant type: single nucleotide variant.
Coding change: c.250G>A on transcript NM_021254.4 (MANE Select); coding-DNA position 250, G replaced by A.
Protein change: p.Val84Ile; replaces valine 84 with isoleucine.
Molecular consequence: missense variant. On other transcripts: non-coding transcript variant (2), synonymous variant (1).
Genome position (GRCh38, 1-based): chr21:32,609,895, C>T on the plus strand (G>A on the coding strand, the complement: CFAP298 is on the minus strand). VCF-style: chr21-32609895-C-T. GRCh37 (hg19) VCF-style: chr21-33982205-C-T.
Other names: c.250G>A, p.Val84Ile (NM_001350338.2, NM_001350335.2, NM_001350336.2 and 1 more transcripts); c.21G>A, p.Ala7= (NM_001350334.2); short protein forms V84I.
Identifiers: ClinVar variation 241376 (VCV000241376.10), dbSNP rs878855068, ClinGen allele CA10583881.